The following is an entry in ClinVar:

ClinVar aggregate classification (germline): Likely benign. Review status: criteria provided, multiple submitters, no conflicts (2 of 4 stars). 3 submissions from 3 submitters: Likely benign (3). Last evaluated 2024-12-27.

Conditions:
Dilated cardiomyopathy 1JJ (CMD1JJ). Identifiers: Orphanet 154, MedGen C3808935, MONDO:0014095, OMIM 615235.
Cardiovascular phenotype. Identifiers: MedGen CN230736.

Allele frequency attached by ClinVar (database versions not stated): gnomAD exomes 0.00003 and 0.00001; gnomAD 0.00007 and 0.00008; TOPMed 0.00010; ESP Exome Variant Server 0.00015; ExAC 0.00003.
gnomAD v4.1: 30 of 1,613,672 alleles (0.0019%); highest among the groups gnomAD compares: African/African-American, 0.031%; no homozygotes.

Submissions (3):

Labcorp Genetics (formerly Invitae), Labcorp
Classification: Likely benign for Dilated cardiomyopathy 1JJ. Last evaluated: 2024-12-27. Review status: criteria provided, single submitter. Criteria: Invitae Variant Classification Sherloc (09022015). Collection method: clinical testing. Allele origin: germline.

Ambry Genetics
Classification: Likely benign for Cardiovascular phenotype. Last evaluated: 2020-03-06. Review status: criteria provided, single submitter. Criteria: Ambry Variant Classification Scheme 2023. Collection method: clinical testing. Allele origin: germline.

Laboratory for Molecular Medicine, Mass General Brigham Personalized Medicine
Classification: Likely benign. Last evaluated: 2016-08-10. Review status: criteria provided, single submitter. Criteria: LMM Criteria. Collection method: clinical testing. Allele origin: germline. Observed: 1 variant allele.
Comment: p.Asp1428Asp in exon 32 of LAMA4: This variant is not expected to have clinical significance because it does not alter an amino acid residue and is not located within the splice consensus sequence. It has been identified in 4/10390 African chromosomes by the Exome Aggregation Consortium (ExAC; dbSNP rs147800037).

NM_001105206.3(LAMA4):c.4305T>C (p.Asp1435=)

Gene: LAMA4 (laminin subunit alpha 4; minus strand). Cytogenetic location: 6q21.
Variant type: single nucleotide variant.
Coding change: c.4305T>C on transcript NM_001105206.3 (MANE Select); coding-DNA position 4305, T replaced by C.
Protein change: p.Asp1435=; no amino-acid change (aspartic acid 1435 retained).
Molecular consequence: synonymous variant.
Genome position (GRCh38, 1-based): chr6:112,122,184, A>G on the plus strand (T>C on the coding strand, the complement: LAMA4 is on the minus strand). VCF-style: chr6-112122184-A-G. GRCh37 (hg19) VCF-style: chr6-112443387-A-G.
Other names: c.4284T>C, p.Asp1428= (NM_001105207.3, NM_002290.5).
Identifiers: ClinVar variation 504531 (VCV000504531.13), dbSNP rs147800037, ClinGen allele CA3965003.